The following is an entry in ClinVar:

NM_001363118.2(SLC52A2):c.1076_1079del (p.Leu359fs)

Gene: SLC52A2 (solute carrier family 52 member 2; plus strand). Cytogenetic location: 8q24.3.
Variant type: Deletion.
Coding change: c.1076_1079del on transcript NM_001363118.2 (MANE Select); coding-DNA positions 1076 to 1079, 4 bases deleted (TGAG; older notation c.1076_1079delTGAG).
Protein change: p.Leu359fs; shifts the reading frame from leucine 359.
Molecular consequence: frameshift variant. On other transcripts: non-coding transcript variant (1).
Genome position (GRCh38, 1-based): chr8:144,360,664-144,360,667, TGAG deleted. VCF-style (leftmost placement, unchanged base first): chr8-144360663-CTGAG-C. GRCh37 (hg19) VCF-style: chr8-145584323-CTGAG-C.
Other names: c.1076_1079del, p.Leu359fs (NM_001253815.2, NM_001253816.2, NM_001363120.2 and 2 more transcripts); c.584_587del, p.Leu195fs (NM_001363122.2); short protein forms L195fs, L359fs.
Identifiers: ClinVar variation 659550 (VCV000659550.6), dbSNP rs1586558204, ClinGen allele CA915947338.

ClinVar aggregate classification (germline): Pathogenic (1 of 4 stars; one submission).

Conditions:
Brown-Vialetto-van Laere syndrome 2. Also called: SPINOCEREBELLAR ATAXIA WITH BLINDNESS AND DEAFNESS 2; Riboflavin transporter deficiency type 2. Identifiers: Orphanet 572543, Orphanet 97229, MedGen C3553538, MONDO:0013867, OMIM 614707.

Submission:

Labcorp Genetics (formerly Invitae), Labcorp
Classification: Pathogenic for Brown-Vialetto-van Laere syndrome 2. Last evaluated: 2023-10-17. Review status: criteria provided, single submitter. Criteria: Invitae Variant Classification Sherloc (09022015). Collection method: clinical testing. Allele origin: germline.
Comment: This sequence change creates a premature translational stop signal (p.Leu359Profs*30) in the SLC52A2 gene. While this is not anticipated to result in nonsense mediated decay, it is expected to disrupt the last 87 amino acid(s) of the SLC52A2 protein. This variant is not present in population databases (gnomAD no frequency). This variant has not been reported in the literature in individuals affected with SLC52A2-related conditions. ClinVar contains an entry for this variant (Variation ID: 659550). This variant disrupts a region of the SLC52A2 protein in which other variant(s) (p.Ala420Thr ) have been determined to be pathogenic (PMID: 24253200; Invitae). This suggests that this is a clinically significant region of the protein, and that variants that disrupt it are likely to be disease-causing. For these reasons, this variant has been classified as Pathogenic.

Literature cited by the submitters: PubMed 24253200.